The following is an entry in ClinVar:

ClinVar aggregate classification (germline): Likely pathogenic. Review status: criteria provided, multiple submitters, no conflicts (2 of 4 stars). 2 submissions from 2 submitters: Likely pathogenic (2). Last evaluated 2025-01-20.

Conditions:
Developmental and epileptic encephalopathy, 13 (DEE13). Also called: SCN8A-Related Epilepsy; Developmental and Epileptic Encephalopathy (SCN8A-DEE); Early infantile epileptic encephalopathy 13. Identifiers: Orphanet 442835, MedGen C3281191, MONDO:0013801, OMIM 614558.

Submissions (2):

Dasa
Classification: Likely pathogenic for Developmental and epileptic encephalopathy, 13. Last evaluated: 2025-01-20. Review status: criteria provided, single submitter. Criteria: DASA Assertion Criteria. Collection method: clinical testing. Allele origin: germline.
Comment: NM_001330260.2(SCN8A):c.3985A>G (p.Asn1329Asp) is a missense variant that results in the substitution of asparagine with aspartic acid. The affected residue or protein region has prior evidence supporting clinical relevance. This variant has been reported in individuals with SCN8A-related disorders (PMID: 27875746). This variant has been reported as a de novo occurrence in an affected individual (PMID: 27875746). Also, this variant is absent from population databases. Computational evidence supports a deleterious effect. Based on the currently available evidence, this variant is classified as likely pathogenic.

Eurofins Ntd Llc (ga)
Classification: Likely pathogenic. Last evaluated: 2015-08-10. Review status: criteria provided, single submitter. Criteria: EGL Classification Definitions. Collection method: clinical testing. Allele origin: germline. Observed: 1 variant allele, 1 heterozygote.

Literature cited by the submitters: PubMed 27875746 (cited by Dasa).

NM_001330260.2(SCN8A):c.3985A>G (p.Asn1329Asp)

Gene: SCN8A (sodium voltage-gated channel alpha subunit 8; plus strand). Cytogenetic location: 12q13.13.
Variant type: single nucleotide variant.
Coding change: c.3985A>G on transcript NM_001330260.2 (MANE Select); coding-DNA position 3985, A replaced by G.
Protein change: p.Asn1329Asp; replaces asparagine 1329 with aspartic acid.
Molecular consequence: missense variant.
Genome position (GRCh38, 1-based): chr12:51,786,584, A>G. VCF-style: chr12-51786584-A-G. GRCh37 (hg19) VCF-style: chr12-52180368-A-G.
Other names: c.3862A>G, p.Asn1288Asp (NM_001177984.3, NM_001369788.1); c.3985A>G, p.Asn1329Asp (NM_014191.4); short protein forms N1329D, N1288D.
Identifiers: ClinVar variation 195689 (VCV000195689.8), dbSNP rs794727362, ClinGen allele CA242214.